The following is an entry in ClinVar:

ClinVar aggregate classification (germline): Pathogenic (1 of 4 stars; one submission).

Conditions:
Duchenne muscular dystrophy (DMD). Also called: MUSCULAR DYSTROPHY, PSEUDOHYPERTROPHIC PROGRESSIVE, DUCHENNE TYPE; Duchenne Muscular Dystrophy (DMD). Identifiers: Orphanet 98896, MedGen C0013264, MONDO:0010679, OMIM 310200.

Submission:

Labcorp Genetics (formerly Invitae), Labcorp
Classification: Pathogenic for Duchenne muscular dystrophy. Last evaluated: 2023-10-13. Review status: criteria provided, single submitter. Criteria: Invitae Variant Classification Sherloc (09022015). Collection method: clinical testing. Allele origin: unknown.
Comment: This variant is a gross deletion of the genomic region encompassing exon(s) 5 of the DMD gene. This variant would be expected to be in-frame, preserving the integrity of the reading frame. A similar copy number variant has been observed in individuals with DMD-related dystrophinopathies (PMID: 12920092, 20031633, 21520333, 24292997, 26745801; Invitae). For these reasons, this variant has been classified as Pathogenic.

Literature cited by the submitters: PubMed 12920092; PubMed 20031633; PubMed 21520333; PubMed 24292997; PubMed 26745801.

NC_000023.11:g.(?_32823275)_(32823850_?)del

Gene: DMD (dystrophin; minus strand). Cytogenetic location: Xp21.1.
Variant type: Deletion.
Identifiers: ClinVar variation 3242942 (VCV003242942.1).